The following is an entry in ClinVar:

ClinVar aggregate classification (germline): Uncertain significance (1 of 4 stars; one submission).

Conditions:
Hereditary cancer-predisposing syndrome. Also called: Neoplastic Syndromes, Hereditary; Tumor predisposition; Hereditary neoplastic syndrome; Hereditary Cancer Syndrome. Identifiers: Orphanet 140162, MedGen C0027672, MeSH D009386, MONDO:0015356.

Submission:

Ambry Genetics
Classification: Uncertain significance for Hereditary cancer-predisposing syndrome. Last evaluated: 2024-01-06. Review status: criteria provided, single submitter. Criteria: Ambry Variant Classification Scheme 2023. Collection method: clinical testing. Allele origin: germline.
Comment: The p.S1515R variant (also known as c.4545C>G), located in coding exon 22 of the DICER1 gene, results from a C to G substitution at nucleotide position 4545. The serine at codon 1515 is replaced by arginine, an amino acid with dissimilar properties. This amino acid position is conserved. In addition, this alteration is predicted to be deleterious by in silico analysis. Since supporting evidence is limited at this time, the clinical significance of this alteration remains unclear.

NM_177438.3(DICER1):c.4545C>G (p.Ser1515Arg)

Gene: DICER1 (dicer 1, ribonuclease III; minus strand). Cytogenetic location: 14q32.13.
Variant type: single nucleotide variant.
Coding change: c.4545C>G on transcript NM_177438.3 (MANE Select); coding-DNA position 4545, C replaced by G.
Protein change: p.Ser1515Arg; replaces serine 1515 with arginine.
Molecular consequence: missense variant. On other transcripts: non-coding transcript variant (6).
Genome position (GRCh38, 1-based): chr14:95,096,375, G>C on the plus strand (C>G on the coding strand, the complement: DICER1 is on the minus strand). VCF-style: chr14-95096375-G-C. GRCh37 (hg19) VCF-style: chr14-95562712-G-C.
Other names: c.4545C>G, p.Ser1515Arg (NM_001195573.1, NM_001271282.3, NM_001291628.2 and 13 more transcripts); c.4263C>G, p.Ser1421Arg (NM_001395686.1); c.4140C>G, p.Ser1380Arg (NM_001395687.1, NM_001395688.1, NM_001395689.1 and 2 more transcripts); c.3978C>G, p.Ser1326Arg (NM_001395691.1); c.2862C>G, p.Ser954Arg (NM_001395697.1); short protein forms S1326R, S1380R, S1421R, S1515R, S954R.
Identifiers: ClinVar variation 3229413 (VCV003229413.1), dbSNP rs2542497115, ClinGen allele CA390867865.